The following is an entry in ClinVar:

NM_006231.4(POLE):c.446del (p.Lys149fs)

Gene: POLE (DNA polymerase epsilon, catalytic subunit; minus strand). Cytogenetic location: 12q24.33.
Variant type: Deletion.
Coding change: c.446del on transcript NM_006231.4 (MANE Select); coding-DNA position 446, one base deleted (A; older notation c.446delA).
Protein change: p.Lys149fs; shifts the reading frame from lysine 149.
Molecular consequence: frameshift variant.
Genome position (GRCh38, 1-based): chr12:132,679,629, T deleted on the plus strand (A on the coding strand, the reverse complement: POLE is on the minus strand); the first of 2 consecutive T bases (chr12:132,679,629-132,679,630); deleting either gives the same sequence. VCF-style (leftmost placement, unchanged base first): chr12-132679628-CT-C. GRCh37 (hg19) VCF-style: chr12-133256214-CT-C.
Other names: short protein forms K149fs.
Identifiers: ClinVar variation 1360294 (VCV001360294.8), dbSNP rs2136027740, ClinGen allele CA2573148238.

ClinVar aggregate classification (germline): Pathogenic (1 of 4 stars; one submission).

Submission:

Labcorp Genetics (formerly Invitae), Labcorp
Classification: Pathogenic. Last evaluated: 2022-08-03. Review status: criteria provided, single submitter. Criteria: Invitae Variant Classification Sherloc (09022015). Collection method: clinical testing. Allele origin: germline.
Comment: This variant is not present in population databases (gnomAD no frequency). This sequence change creates a premature translational stop signal (p.Lys149Serfs*18) in the POLE gene. It is expected to result in an absent or disrupted protein product. Loss-of-function variants in POLE are known to be pathogenic (PMID: 23230001, 25948378, 30503519). This variant has not been reported in the literature in individuals affected with POLE-related conditions. ClinVar contains an entry for this variant (Variation ID: 1360294). For these reasons, this variant has been classified as Pathogenic.

Literature cited by the submitters: PubMed 23230001; PubMed 25948378; PubMed 30503519.